The following is an entry in ClinVar:

ClinVar aggregate classification (germline): Uncertain significance. Review status: criteria provided, multiple submitters, no conflicts (2 of 4 stars). 2 submissions from 2 submitters: Uncertain significance (2). Last evaluated 2024-10-20.

Conditions:
MHC class II deficiency. Also called: BLS, TYPE II; Bare lymphocyte syndrome 2. Identifiers: Orphanet 572, MedGen C5447452, MONDO:0008855.

Allele frequency attached by ClinVar (database versions not stated): gnomAD exomes 0.00009; gnomAD 0.00003; TOPMed 0.00003.
gnomAD v4.1: 57 of 1,325,790 alleles (0.0043%); highest among the groups gnomAD compares: Non-Finnish European, 0.0051%; no homozygotes.

Submissions (2):

Ambry Genetics
Classification: Uncertain significance. Last evaluated: 2024-10-20. Review status: criteria provided, single submitter. Criteria: Ambry Variant Classification Scheme 2023. Collection method: clinical testing. Allele origin: germline.

Labcorp Genetics (formerly Invitae), Labcorp
Classification: Uncertain significance for MHC class II deficiency. Last evaluated: 2022-05-25. Review status: criteria provided, single submitter. Criteria: Invitae Variant Classification Sherloc (09022015). Collection method: clinical testing. Allele origin: germline.
Comment: This sequence change replaces proline, which is neutral and non-polar, with serine, which is neutral and polar, at codon 19 of the RFXAP protein (p.Pro19Ser). This variant is present in population databases (no rsID available, gnomAD 0.02%). This variant has not been reported in the literature in individuals affected with RFXAP-related conditions. ClinVar contains an entry for this variant (Variation ID: 1036692). Algorithms developed to predict the effect of missense changes on protein structure and function (SIFT, PolyPhen-2, Align-GVGD) all suggest that this variant is likely to be tolerated. In summary, the available evidence is currently insufficient to determine the role of this variant in disease. Therefore, it has been classified as a Variant of Uncertain Significance.

NM_000538.4(RFXAP):c.55C>T (p.Pro19Ser)

Genes: RFXAP (regulatory factor X associated protein; plus strand), LOC130009573 (ATAC-STARR-seq lymphoblastoid silent region 5267; plus strand). Cytogenetic location: 13q13.3.
Variant type: single nucleotide variant.
Coding change: c.55C>T on transcript NM_000538.4 (MANE Select); coding-DNA position 55, C replaced by T.
Protein change: p.Pro19Ser; replaces proline 19 with serine.
Molecular consequence: missense variant.
Genome position (GRCh38, 1-based): chr13:36,819,412, C>T. VCF-style: chr13-36819412-C-T. GRCh37 (hg19) VCF-style: chr13-37393549-C-T.
Other names: c.55C>T (NM_000538.3); short protein forms P19S.
Identifiers: ClinVar variation 1036692 (VCV001036692.5), dbSNP rs1483760429, ClinGen allele CA387852130.